The following is an entry in ClinVar:

ClinVar aggregate classification (germline): Uncertain significance (1 of 4 stars; one submission).

Submission:

GeneDx
Classification: Uncertain significance. Last evaluated: 2024-11-06. Review status: criteria provided, single submitter. Criteria: GeneDx Variant Classification Process June 2021. Collection method: clinical testing. Allele origin: germline. Affected: yes.
Comment: Not observed at significant frequency in large population cohorts (gnomAD); In silico analysis supports that this missense variant has a deleterious effect on protein structure/function; Has not been previously published as pathogenic or benign to our knowledge

NM_001077415.3(CRELD1):c.969C>G (p.Asn323Lys)

Gene: CRELD1 (cysteine rich with EGF like domains 1; plus strand). Cytogenetic location: 3p25.3.
Variant type: single nucleotide variant.
Coding change: c.969C>G on transcript NM_001077415.3 (MANE Select); coding-DNA position 969, C replaced by G.
Protein change: p.Asn323Lys; replaces asparagine 323 with lysine.
Molecular consequence: missense variant. On other transcripts: non-coding transcript variant (3).
Genome position (GRCh38, 1-based): chr3:9,943,436, C>G. VCF-style: chr3-9943436-C-G. GRCh37 (hg19) VCF-style: chr3-9985120-C-G.
Other names: c.969C>G, p.Asn323Lys (NM_001031717.4, NM_001374316.1, NM_001374317.1 and 3 more transcripts); c.885C>G, p.Asn295Lys (NM_001374319.1, NM_001374320.1); short protein forms N295K, N323K.
Identifiers: ClinVar variation 3899160 (VCV003899160.1).